The following is an entry in ClinVar:

ClinVar aggregate classification (germline): Uncertain significance. Review status: criteria provided, multiple submitters, no conflicts (2 of 4 stars). 2 submissions from 2 submitters: Uncertain significance (2). Last evaluated 2025-08-24.

gnomAD v4.1: 2 of 1,614,094 alleles (0.00012%); highest among the groups gnomAD compares: Non-Finnish European, 0.00017%; no homozygotes.

Submissions (2):

Labcorp Genetics (formerly Invitae), Labcorp
Classification: Uncertain significance. Last evaluated: 2025-08-24. Review status: criteria provided, single submitter. Criteria: Invitae Variant Classification Sherloc (09022015). Collection method: clinical testing. Allele origin: germline.
Comment: This sequence change replaces arginine, which is basic and polar, with serine, which is neutral and polar, at codon 437 of the ANKZF1 protein (p.Arg437Ser). This variant is not present in population databases (gnomAD no frequency). This variant has not been reported in the literature in individuals affected with ANKZF1-related conditions. ClinVar contains an entry for this variant (Variation ID: 3918781). An algorithm developed to predict the effect of missense changes on protein structure and function outputs the following: PolyPhen-2: "Benign". The serine amino acid residue is found in multiple mammalian species, which suggests that this missense change does not adversely affect protein function. In summary, the available evidence is currently insufficient to determine the role of this variant in disease. Therefore, it has been classified as a Variant of Uncertain Significance.

Ambry Genetics
Classification: Uncertain significance. Last evaluated: 2025-04-07. Review status: criteria provided, single submitter. Criteria: Ambry Variant Classification Scheme 2023. Collection method: clinical testing. Allele origin: germline.

NM_018089.3(ANKZF1):c.1311G>T (p.Arg437Ser)

Gene: ANKZF1 (ankyrin repeat and zinc finger peptidyl tRNA hydrolase 1; plus strand). Cytogenetic location: 2q35.
Variant type: single nucleotide variant.
Coding change: c.1311G>T on transcript NM_018089.3 (MANE Select); coding-DNA position 1311, G replaced by T.
Protein change: p.Arg437Ser; replaces arginine 437 with serine.
Molecular consequence: missense variant.
Genome position (GRCh38, 1-based): chr2:219,234,932, G>T. VCF-style: chr2-219234932-G-T. GRCh37 (hg19) VCF-style: chr2-220099654-G-T.
Other names: c.1311G>T, p.Arg437Ser (NM_001042410.2); c.681G>T, p.Arg227Ser (NM_001282792.2); short protein forms R437S, R227S.
Identifiers: ClinVar variation 3918781 (VCV003918781.2).